The following is an entry in ClinVar:

NM_004991.4(MECOM):c.3131A>G (p.His1044Arg)

Gene: MECOM (MDS1 and EVI1 complex locus; minus strand). Cytogenetic location: 3q26.2.
Variant type: single nucleotide variant.
Coding change: c.3131A>G on transcript NM_004991.4 (MANE Select); coding-DNA position 3131, A replaced by G.
Protein change: p.His1044Arg; replaces histidine 1044 with arginine.
Molecular consequence: missense variant.
Genome position (GRCh38, 1-based): chr3:169,092,991, T>C on the plus strand (A>G on the coding strand, the complement: MECOM is on the minus strand). VCF-style: chr3-169092991-T-C. GRCh37 (hg19) VCF-style: chr3-168810779-T-C.
Other names: c.3131A>G (NM_004991.3); c.2762A>G, p.His921Arg (NM_001105077.4); c.2567A>G, p.His856Arg (NM_001105078.4, NM_001205194.2, NM_001366469.2 and 1 more transcripts); c.2543A>G, p.His848Arg (NM_001163999.2, NM_001366470.2); c.2540A>G, p.His847Arg (NM_001164000.2, NM_001366471.2, NM_001366472.2); c.3104A>G, p.His1035Arg (NM_001366466.2); c.2570A>G, p.His857Arg (NM_001366467.2, NM_001366468.2); c.2132A>G, p.His711Arg (NM_001366473.2); and 1 more; short protein forms H523R, H921R, H711R, H848R, H857R, H1035R, H1044R, H847R.
Identifiers: ClinVar variation 2881738 (VCV002881738.5), dbSNP rs1720261425, ClinGen allele CA355071912.

ClinVar aggregate classification (germline): Uncertain significance. Review status: criteria provided, multiple submitters, no conflicts (2 of 4 stars). 3 submissions from 3 submitters: Uncertain significance (3). Last evaluated 2024-12-13.

Conditions:
Inborn genetic diseases. Identifiers: MedGen C0950123, MeSH D030342.

Allele frequency attached by ClinVar (database versions not stated): TOPMed below 0.00001; gnomAD 0.00001; gnomAD exomes 0.00001.
gnomAD v4.1: 12 of 1,613,740 alleles (0.00074%); highest among the groups gnomAD compares: Non-Finnish European, 0.001%; no homozygotes.

Submissions (3):

Ambry Genetics
Classification: Uncertain significance for Inborn genetic diseases. Last evaluated: 2024-12-13. Review status: criteria provided, single submitter. Criteria: Ambry Variant Classification Scheme 2023. Collection method: clinical testing. Allele origin: germline.
Comment: The p.H1044R variant (also known as c.3131A>G), located in coding exon 14 of the MECOM gene, results from an A to G substitution at nucleotide position 3131. The histidine at codon 1044 is replaced by arginine, an amino acid with highly similar properties. This amino acid position is conserved. In addition, this alteration is predicted to be tolerated by in silico analysis. Based on the available evidence, the clinical significance of this variant remains unclear.

Labcorp Genetics (formerly Invitae), Labcorp
Classification: Uncertain significance. Last evaluated: 2023-08-17. Review status: criteria provided, single submitter. Criteria: Invitae Variant Classification Sherloc (09022015). Collection method: clinical testing. Allele origin: germline.
Comment: In summary, the available evidence is currently insufficient to determine the role of this variant in disease. Therefore, it has been classified as a Variant of Uncertain Significance. An algorithm developed to predict the effect of missense changes on protein structure and function (PolyPhen-2) suggests that this variant is likely to be tolerated. This variant has not been reported in the literature in individuals affected with MECOM-related conditions. This variant is not present in population databases (gnomAD no frequency). This sequence change replaces histidine, which is basic and polar, with arginine, which is basic and polar, at codon 856 of the MECOM protein (p.His856Arg).

Blueprint Genetics
Classification: Uncertain significance. Last evaluated: 2022-11-03. Review status: criteria provided, single submitter. Criteria: ACMG Guidelines, 2015. Collection method: clinical testing. Allele origin: germline.